The following is an entry in ClinVar:

ClinVar aggregate classification (germline): Uncertain significance (1 of 4 stars; one submission).

Conditions:
Paroxysmal nonkinesigenic dyskinesia. Also called: Paroxysmal non-kinesigenic dyskinesia. Identifiers: Orphanet 98810, MedGen C1869117, MONDO:0700088.

Allele frequency attached by ClinVar (database versions not stated): TOPMed 0.00001.
gnomAD v4.1: 2 of 1,592,006 alleles (0.00013%); highest among the groups gnomAD compares: Non-Finnish European, 0.00017%; no homozygotes.

Submission:

Labcorp Genetics (formerly Invitae), Labcorp
Classification: Uncertain significance for Paroxysmal nonkinesigenic dyskinesia. Last evaluated: 2023-09-03. Review status: criteria provided, single submitter. Criteria: Invitae Variant Classification Sherloc (09022015). Collection method: clinical testing. Allele origin: germline.
Comment: This sequence change replaces serine, which is neutral and polar, with threonine, which is neutral and polar, at codon 196 of the PNKD protein (p.Ser196Thr). This variant is not present in population databases (gnomAD no frequency). This variant has not been reported in the literature in individuals affected with PNKD-related conditions. ClinVar contains an entry for this variant (Variation ID: 839543). Advanced modeling of protein sequence and biophysical properties (such as structural, functional, and spatial information, amino acid conservation, physicochemical variation, residue mobility, and thermodynamic stability) performed at Invitae indicates that this missense variant is not expected to disrupt PNKD protein function. In summary, the available evidence is currently insufficient to determine the role of this variant in disease. Therefore, it has been classified as a Variant of Uncertain Significance.

NM_015488.5(PNKD):c.587G>C (p.Ser196Thr)

Genes: CATIP-AS2 (CATIP antisense RNA 2; minus strand), PNKD (PNKD metallo-beta-lactamase domain containing; plus strand). Cytogenetic location: 2q35.
Variant type: single nucleotide variant.
Coding change: c.587G>C on transcript NM_015488.5 (MANE Select); coding-DNA position 587, G replaced by C.
Protein change: p.Ser196Thr; replaces serine 196 with threonine.
Molecular consequence: missense variant.
Genome position (GRCh38, 1-based): chr2:218,341,596, G>C. VCF-style: chr2-218341596-G-C. GRCh37 (hg19) VCF-style: chr2-219206319-G-C.
Other names: c.515G>C, p.Ser172Thr (NM_022572.5); short protein forms S172T, S196T.
Identifiers: ClinVar variation 839543 (VCV000839543.9), dbSNP rs1341663022, ClinGen allele CA350540622.